The following is an entry in ClinVar:

ClinVar aggregate classification (germline): Likely pathogenic (1 of 4 stars; one submission).

Conditions:
Weaver syndrome (WVS). Also called: Weaver Smith syndrome; Overgrowth syndrome with accelerated skeletal maturation, unusual facies, and camptodactyly. Identifiers: Orphanet 3447, MedGen C0265210, MONDO:0010193, OMIM 277590.

Submission:

Victorian Clinical Genetics Services, Murdoch Childrens Research Institute
Classification: Likely pathogenic for Weaver syndrome. Last evaluated: 2024-10-09. Review status: criteria provided, single submitter. Criteria: ACMG Guidelines, 2015. Collection method: clinical testing. Allele origin: germline. Inheritance: Autosomal dominant inheritance. Affected: yes.
Comment: Based on the classification scheme VCGS_Germline_v1.3.4, this variant is classified as Likely pathogenic. Following criteria are met: 0102 - Loss of function is a known mechanism of disease in this gene and is associated with Weaver syndrome (MIM#277590). (I) 0107 - This gene is associated with autosomal dominant disease. (I) 0200 - Variant is predicted to result in a missense amino acid change from aspartic acid to asparagine. (I) 0251 - This variant is heterozygous. (I) 0301 - Variant is absent from gnomAD (both v2 and v3). (SP) 0502 - Missense variant with conflicting in silico predictions and high conservation. (I) 0602 - Variant is located in a hotspot region or cluster of pathogenic variants. It is located in the SET domain, in which reported missense variants cluster (DECIPHER). (SP) 0705 - No comparable missense variants have previous evidence for pathogenicity. (I) 0807 - This variant has no previous evidence of pathogenicity. (I) 0905 - No published segregation evidence has been identified for this variant. (I) 1007 - No published functional evidence has been identified for this variant. (SP) Legend: (SP) - Supporting pathogenic, (I) - Information, (SB) - Supporting benign

NM_004456.5(EZH2):c.1969G>A (p.Asp657Asn)

Gene: EZH2 (enhancer of zeste 2 polycomb repressive complex 2 subunit; minus strand). Cytogenetic location: 7q36.1.
Variant type: single nucleotide variant.
Coding change: c.1969G>A on transcript NM_004456.5 (MANE Select); coding-DNA position 1969, G replaced by A.
Protein change: p.Asp657Asn; replaces aspartic acid 657 with asparagine.
Molecular consequence: missense variant.
Genome position (GRCh38, 1-based): chr7:148,810,393, C>T on the plus strand (G>A on the coding strand, the complement: EZH2 is on the minus strand). VCF-style: chr7-148810393-C-T. GRCh37 (hg19) VCF-style: chr7-148507485-C-T.
Other names: c.1954G>A, p.Asp652Asn (NM_001203247.2); c.1927G>A, p.Asp643Asn (NM_001203248.2); c.1801G>A, p.Asp601Asn (NM_001203249.2); c.1837G>A, p.Asp613Asn (NM_152998.3); short protein forms D601N, D613N, D643N, D652N, D657N.
Identifiers: ClinVar variation 3377158 (VCV003377158.1).
Genomic context (GRCh38, chr7:148,810,393, plus strand): 5'-CATTGTTCAAGTTGAACAGAAAGCTGCACATGTATTTATCATACACTTTCCCTCTTCTGT[C>T]AGCTTCATCTTGAGAAATAATCTAAAAAGAAAGACACAGGAGAAAATTCTTTTGGATAAA-3'
Protein context (NP_004447.2, residues 647-667): CGEIISQDEA[Asp657Asn]RRGKVYDKYM